The following is an entry in ClinVar:

ClinVar aggregate classification (germline): Uncertain significance (1 of 4 stars; one submission).

gnomAD v4.1: 1 of 1,601,956 alleles (0.000062%); highest among the groups gnomAD compares: Non-Finnish European, 0.000085%; no homozygotes.

Submission:

Labcorp Genetics (formerly Invitae), Labcorp
Classification: Uncertain significance. Last evaluated: 2024-02-25. Review status: criteria provided, single submitter. Criteria: Invitae Variant Classification Sherloc (09022015). Collection method: clinical testing. Allele origin: germline.
Comment: This sequence change replaces glutamic acid, which is acidic and polar, with glutamine, which is neutral and polar, at codon 3156 of the DCHS1 protein (p.Glu3156Gln). This variant is not present in population databases (gnomAD no frequency). This variant has not been reported in the literature in individuals affected with DCHS1-related conditions. Advanced modeling of protein sequence and biophysical properties (such as structural, functional, and spatial information, amino acid conservation, physicochemical variation, residue mobility, and thermodynamic stability) performed at Invitae indicates that this missense variant is not expected to disrupt DCHS1 protein function with a negative predictive value of 80%. In summary, the available evidence is currently insufficient to determine the role of this variant in disease. Therefore, it has been classified as a Variant of Uncertain Significance.

NM_003737.4(DCHS1):c.9466G>C (p.Glu3156Gln)

Gene: DCHS1 (dachsous cadherin-related 1; minus strand). Cytogenetic location: 11p15.4.
Variant type: single nucleotide variant.
Coding change: c.9466G>C on transcript NM_003737.4 (MANE Select); coding-DNA position 9466, G replaced by C.
Protein change: p.Glu3156Gln; replaces glutamic acid 3156 with glutamine.
Molecular consequence: missense variant.
Genome position (GRCh38, 1-based): chr11:6,622,210, C>G on the plus strand (G>C on the coding strand, the complement: DCHS1 is on the minus strand). VCF-style: chr11-6622210-C-G. GRCh37 (hg19) VCF-style: chr11-6643441-C-G.
Other names: short protein forms E3156Q.
Identifiers: ClinVar variation 3643344 (VCV003643344.2).